The following is an entry in ClinVar:

ClinVar aggregate classification (germline): Pathogenic (1 of 4 stars; one submission).

Submission:

CeGaT Center for Human Genetics Tuebingen
Classification: Pathogenic. Last evaluated: 2025-07-01. Review status: criteria provided, single submitter. Criteria: CeGaT Center For Human Genetics Tuebingen Variant Classification Criteria Version 2. Collection method: clinical testing. Allele origin: germline. Affected: yes. Observed: 1 variant allele.
Comment: VPS13C: PVS1, PM2

NM_020821.3(VPS13C):c.1398del (p.Gly467fs)

Gene: VPS13C (vacuolar protein sorting 13 homolog C; minus strand). Cytogenetic location: 15q22.2.
Variant type: Deletion.
Coding change: c.1398del on transcript NM_020821.3 (MANE Select); coding-DNA position 1398, one base deleted (A; older notation c.1398delA).
Protein change: p.Gly467fs; shifts the reading frame from glycine 467.
Molecular consequence: frameshift variant.
Genome position (GRCh38, 1-based): chr15:61,991,758, T deleted on the plus strand (A on the coding strand, the reverse complement: VPS13C is on the minus strand). VCF-style (leftmost placement, unchanged base first): chr15-61991757-CT-C. GRCh37 (hg19) VCF-style: chr15-62283956-CT-C.
Other names: c.1398del, p.Gly467fs (NM_001018088.3); c.1269del, p.Gly424fs (NM_017684.5, NM_018080.4); short protein forms G424fs, G467fs.
Identifiers: ClinVar variation 4085433 (VCV004085433.8).